The following is an entry in ClinVar:

NM_001085487.3(MYSM1):c.64C>G (p.Pro22Ala)

Genes: MYSM1 (Myb like, SWIRM and MPN domains 1; minus strand), LOC129930616 (ATAC-STARR-seq lymphoblastoid active region 1087; plus strand). Cytogenetic location: 1p32.1.
Variant type: single nucleotide variant.
Coding change: c.64C>G on transcript NM_001085487.3 (MANE Select); coding-DNA position 64, C replaced by G.
Protein change: p.Pro22Ala; replaces proline 22 with alanine.
Molecular consequence: missense variant.
Genome position (GRCh38, 1-based): chr1:58,699,989, G>C on the plus strand (C>G on the coding strand, the complement: MYSM1 is on the minus strand). VCF-style: chr1-58699989-G-C. GRCh37 (hg19) VCF-style: chr1-59165661-G-C.
Other names: short protein forms P22A.
Identifiers: ClinVar variation 2040213 (VCV002040213.4), dbSNP rs2524392069, ClinGen allele CA340534438.
Genomic context (GRCh38, chr1:58,699,989, plus strand): 5'-GCTCCTTCAATCCACTCCCCTCTCCGCCCCAGAGAGACCCGGTCTCTAAGCCTCACCCTG[G>C]CTGTGCCCCCGCCGCCGCTACCACGTCCCCTTCGATATCCACATCCGCCTCTTCAGCCGC-3'
Protein context (NP_001078956.1, residues 12-32): GDVVAAAGAQ[Pro22Ala]GSGENTASVL

ClinVar aggregate classification (germline): Uncertain significance (1 of 4 stars; one submission).

Submission:

Labcorp Genetics (formerly Invitae), Labcorp
Classification: Uncertain significance. Last evaluated: 2023-05-08. Review status: criteria provided, single submitter. Criteria: Invitae Variant Classification Sherloc (09022015). Collection method: clinical testing. Allele origin: germline.
Comment: This variant has not been reported in the literature in individuals affected with MYSM1-related conditions. In summary, the available evidence is currently insufficient to determine the role of this variant in disease. Therefore, it has been classified as a Variant of Uncertain Significance. An algorithm developed to predict the effect of missense changes on protein structure and function (PolyPhen-2) suggests that this variant is likely to be tolerated. ClinVar contains an entry for this variant (Variation ID: 2040213). This variant is not present in population databases (gnomAD no frequency). This sequence change replaces proline, which is neutral and non-polar, with alanine, which is neutral and non-polar, at codon 22 of the MYSM1 protein (p.Pro22Ala).